The following is an entry in ClinVar:

NM_002485.5(NBN):c.377del (p.Thr126fs)

Gene: NBN (nibrin; minus strand). Cytogenetic location: 8q21.3.
Variant type: Deletion.
Coding change: c.377del on transcript NM_002485.5 (MANE Select); coding-DNA position 377, one base deleted (C; older notation c.377delC).
Protein change: p.Thr126fs; shifts the reading frame from threonine 126.
Molecular consequence: frameshift variant.
Genome position (GRCh38, 1-based): chr8:89,980,837, G deleted on the plus strand (C on the coding strand, the reverse complement: NBN is on the minus strand). VCF-style (leftmost placement, unchanged base first): chr8-89980836-AG-A. GRCh37 (hg19) VCF-style: chr8-90993064-AG-A.
Other names: c.377delC (NM_002485.4); c.131del, p.Thr44fs (NM_001024688.3); short protein forms T126fs, T44fs.
Identifiers: ClinVar variation 530729 (VCV000530729.6), dbSNP rs1554567972, ClinGen allele CA658797121.
Genomic context (GRCh38, chr8:89,980,836, plus strand): 5'-TTCTTCTGTCCAATTGTTTACAGTAAATCCTCCAAGTTGCAATATAGCTTGATTTAAAGC[AG>A]TTTTCCCAGAGACATCTAAACAAGAAGAGCATGCAACCAAAGGCTCATACTCTATTCTGT-3'

ClinVar aggregate classification (germline): Pathogenic (1 of 4 stars; one submission).

Conditions:
Microcephaly, normal intelligence and immunodeficiency (NBS). Also called: Immunodeficiency, microcephaly with normal intelligence; Ataxia telangiectasia variant V1; IMMUNODEFICIENCY, MICROCEPHALY, AND CHROMOSOMAL INSTABILITY; BERLIN BREAKAGE SYNDROME; SEEMANOVA SYNDROME II; Nijmegen breakage syndrome. Identifiers: Orphanet 647, MedGen C0398791, MONDO:0009623, OMIM 251260.

Submission:

Labcorp Genetics (formerly Invitae), Labcorp
Classification: Pathogenic for Microcephaly, normal intelligence and immunodeficiency. Last evaluated: 2024-05-05. Review status: criteria provided, single submitter. Criteria: Invitae Variant Classification Sherloc (09022015). Collection method: clinical testing. Allele origin: germline.
Comment: This sequence change creates a premature translational stop signal (p.Thr126Metfs*3) in the NBN gene. It is expected to result in an absent or disrupted protein product. Loss-of-function variants in NBN are known to be pathogenic (PMID: 9590180, 16415040). This variant is not present in population databases (gnomAD no frequency). This variant has not been reported in the literature in individuals affected with NBN-related conditions. ClinVar contains an entry for this variant (Variation ID: 530729). Algorithms developed to predict the effect of sequence changes on RNA splicing suggest that this variant may disrupt the consensus splice site. For these reasons, this variant has been classified as Pathogenic.

Literature cited by the submitters: PubMed 9590180; PubMed 16415040.